The following is an entry in ClinVar:

ClinVar aggregate classification (germline): Uncertain significance (1 of 4 stars; one submission).

Submission:

Labcorp Genetics (formerly Invitae), Labcorp
Classification: Uncertain significance. Last evaluated: 2024-12-12. Review status: criteria provided, single submitter. Criteria: Invitae Variant Classification Sherloc (09022015). Collection method: clinical testing. Allele origin: germline.
Comment: This sequence change replaces methionine, which is neutral and non-polar, with valine, which is neutral and non-polar, at codon 596 of the FRMD7 protein (p.Met596Val). This variant is not present in population databases (gnomAD no frequency). This variant has not been reported in the literature in individuals affected with FRMD7-related conditions. An algorithm developed to predict the effect of missense changes on protein structure and function (PolyPhen-2) suggests that this variant is likely to be tolerated. In summary, the available evidence is currently insufficient to determine the role of this variant in disease. Therefore, it has been classified as a Variant of Uncertain Significance.

NM_194277.3(FRMD7):c.1786A>G (p.Met596Val)

Gene: FRMD7 (FERM domain containing 7; minus strand). Cytogenetic location: Xq26.2.
Variant type: single nucleotide variant.
Coding change: c.1786A>G on transcript NM_194277.3 (MANE Select); coding-DNA position 1786, A replaced by G.
Protein change: p.Met596Val; replaces methionine 596 with valine.
Molecular consequence: missense variant.
Genome position (GRCh38, 1-based): chrX:132,078,231, T>C on the plus strand (A>G on the coding strand, the complement: FRMD7 is on the minus strand). VCF-style: chrX-132078231-T-C. GRCh37 (hg19) VCF-style: chrX-131212259-T-C.
Other names: c.1741A>G, p.Met581Val (NM_001306193.2); short protein forms M581V, M596V.
Identifiers: ClinVar variation 3727189 (VCV003727189.2).